The following is an entry in ClinVar:

NM_004104.5(FASN):c.5062G>A (p.Ala1688Thr)

Gene: FASN (fatty acid synthase; minus strand). Cytogenetic location: 17q25.3.
Variant type: single nucleotide variant.
Coding change: c.5062G>A on transcript NM_004104.5 (MANE Select); coding-DNA position 5062, G replaced by A.
Protein change: p.Ala1688Thr; replaces alanine 1688 with threonine.
Molecular consequence: missense variant.
Genome position (GRCh38, 1-based): chr17:82,084,011, C>T on the plus strand (G>A on the coding strand, the complement: FASN is on the minus strand). VCF-style: chr17-82084011-C-T. GRCh37 (hg19) VCF-style: chr17-80041887-C-T.
Other names: short protein forms A1688T.
Identifiers: ClinVar variation 531015 (VCV000531015.14), dbSNP rs368428251, ClinGen allele CA8851843.

ClinVar aggregate classification (germline): Uncertain significance. Review status: criteria provided, multiple submitters, no conflicts (2 of 4 stars). 2 submissions from 2 submitters: Uncertain significance (2). Last evaluated 2026-04-30.

Conditions:
Epileptic encephalopathy. Identifiers: MedGen C0543888, HP:0200134.

Allele frequency attached by ClinVar (database versions not stated): TOPMed 0.00012; gnomAD 0.00017 and 0.00015; 1000 Genomes Project 0.00020; 1000 Genomes Project 30x 0.00031; gnomAD exomes 0.00001 and 0.00003; ESP Exome Variant Server 0.00027; ExAC 0.00008.
gnomAD v4.1: 42 of 1,538,900 alleles (0.0027%); highest among the groups gnomAD compares: African/African-American, 0.045%; no homozygotes.

Submissions (2):

Ambry Genetics
Classification: Uncertain significance. Last evaluated: 2026-04-30. Review status: criteria provided, single submitter. Criteria: Ambry Variant Classification Scheme 2023. Collection method: clinical testing. Allele origin: germline.

Labcorp Genetics (formerly Invitae), Labcorp
Classification: Uncertain significance for Epileptic encephalopathy. Last evaluated: 2025-09-16. Review status: criteria provided, single submitter. Criteria: Invitae Variant Classification Sherloc (09022015). Collection method: clinical testing. Allele origin: germline.
Comment: This sequence change replaces alanine, which is neutral and non-polar, with threonine, which is neutral and polar, at codon 1688 of the FASN protein (p.Ala1688Thr). This variant is present in population databases (rs368428251, gnomAD 0.03%). This variant has not been reported in the literature in individuals affected with FASN-related conditions. ClinVar contains an entry for this variant (Variation ID: 531015). An algorithm developed to predict the effect of missense changes on protein structure and function (PolyPhen-2) suggests that this variant is likely to be disruptive. In summary, the available evidence is currently insufficient to determine the role of this variant in disease. Therefore, it has been classified as a Variant of Uncertain Significance.